The following is an entry in ClinVar:

ClinVar aggregate classification (germline): Uncertain significance (1 of 4 stars; one submission).

Submission:

CeGaT Center for Human Genetics Tuebingen
Classification: Uncertain significance. Last evaluated: 2024-10-01. Review status: criteria provided, single submitter. Criteria: CeGaT Center For Human Genetics Tuebingen Variant Classification Criteria Version 2. Collection method: clinical testing. Allele origin: germline. Affected: yes. Observed: 1 variant allele.
Comment: NEURL4: PM2

NM_032442.3(NEURL4):c.823G>A (p.Val275Met)

Gene: NEURL4 (neuralized E3 ubiquitin protein ligase 4; minus strand). Cytogenetic location: 17p13.1.
Variant type: single nucleotide variant.
Coding change: c.823G>A on transcript NM_032442.3 (MANE Select); coding-DNA position 823, G replaced by A.
Protein change: p.Val275Met; replaces valine 275 with methionine.
Molecular consequence: missense variant.
Genome position (GRCh38, 1-based): chr17:7,326,980, C>T on the plus strand (G>A on the coding strand, the complement: NEURL4 is on the minus strand). VCF-style: chr17-7326980-C-T. GRCh37 (hg19) VCF-style: chr17-7230299-C-T.
Other names: c.823G>A, p.Val275Met (NM_001005408.2); short protein forms V275M.
Identifiers: ClinVar variation 3389990 (VCV003389990.14).